The following is an entry in ClinVar:

NM_002184.4(IL6ST):c.1048G>A (p.Val350Met)

Gene: IL6ST (interleukin 6 cytokine family signal transducer; minus strand). Cytogenetic location: 5q11.2.
Variant type: single nucleotide variant.
Coding change: c.1048G>A on transcript NM_002184.4 (MANE Select); coding-DNA position 1048, G replaced by A.
Protein change: p.Val350Met; replaces valine 350 with methionine.
Molecular consequence: missense variant. On other transcripts: non-coding transcript variant (2), intron variant (2).
Genome position (GRCh38, 1-based): chr5:55,957,217, C>T on the plus strand (G>A on the coding strand, the complement: IL6ST is on the minus strand). VCF-style: chr5-55957217-C-T. GRCh37 (hg19) VCF-style: chr5-55253045-C-T.
Other names: p.Val350Met; c.1048G>A, p.Val350Met (NM_001190981.2, NM_001364275.2); c.838G>A, p.Val280Met (NM_001364276.2); c.181G>A, p.Val61Met (NM_001364277.2); c.145G>A, p.Val49Met (NM_001364278.2); c.61-982G>A (NM_001364279.2); c.974-982G>A (NM_175767.3); short protein forms V350M, V61M, V280M, V49M.
Identifiers: ClinVar variation 1524302 (VCV001524302.11), dbSNP rs199818715, ClinGen allele CA3271536.

ClinVar aggregate classification (germline): Conflicting classifications of pathogenicity. Review status: criteria provided, conflicting classifications (1 of 4 stars). 3 submissions from 3 submitters: Uncertain significance (2); Likely benign (1). Last evaluated 2026-01-11.

Allele frequency attached by ClinVar (database versions not stated): ExAC 0.00018; gnomAD 0.00023 and 0.00024; gnomAD exomes 0.00023; TOPMed 0.00026; ESP Exome Variant Server 0.00031.
gnomAD v4.1: 679 of 1,491,556 alleles (0.046%); highest among the groups gnomAD compares: Non-Finnish European, 0.06%; 1 homozygote.

Submissions (3):

Labcorp Genetics (formerly Invitae), Labcorp
Classification: Uncertain significance. Last evaluated: 2026-01-11. Review status: criteria provided, single submitter. Criteria: Invitae Variant Classification Sherloc (09022015). Collection method: clinical testing. Allele origin: germline.
Comment: This sequence change replaces valine, which is neutral and non-polar, with methionine, which is neutral and non-polar, at codon 350 of the IL6ST protein (p.Val350Met). This variant is present in population databases (rs199818715, gnomAD 0.05%). This variant has not been reported in the literature in individuals affected with IL6ST-related conditions. ClinVar contains an entry for this variant (Variation ID: 1524302). An algorithm developed to predict the effect of missense changes on protein structure and function outputs the following: PolyPhen-2: "Benign". The methionine amino acid residue is found in multiple mammalian species, which suggests that this missense change does not adversely affect protein function. In summary, the available evidence is currently insufficient to determine the role of this variant in disease. Therefore, it has been classified as a Variant of Uncertain Significance.

CeGaT Center for Human Genetics Tuebingen
Classification: Likely benign. Last evaluated: 2026-01-01. Review status: criteria provided, single submitter. Criteria: CeGaT Center For Human Genetics Tuebingen Variant Classification Criteria Version 2. Collection method: clinical testing. Allele origin: germline. Affected: yes. Observed: 1 variant allele.
Comment: IL6ST: BP4

Mayo Clinic Laboratories, Mayo Clinic
Classification: Uncertain significance. Last evaluated: 2024-09-19. Review status: criteria provided, single submitter. Criteria: ACMG Guidelines, 2015. Collection method: clinical testing. Allele origin: germline. Observed: 1 variant allele.
Comment: BP4

Literature cited by the submitters: PubMed 38019014 (cited by Mayo Clinic Laboratories, Mayo Clinic).